The following is an entry in ClinVar:

ClinVar aggregate classification (germline): Uncertain significance. Review status: criteria provided, single submitter (1 of 4 stars). 2 submissions from 2 submitters: Uncertain significance (1). 1 of the submissions does not count toward it. Last evaluated 2024-07-21.

Conditions:
Gastric cancer. Also called: Malignant tumor of stomach; Stomach cancer. Identifiers: MedGen C0024623, MeSH D013274, MONDO:0001056, OMIM 613659, HP:0012126.
Familial adenomatous polyposis 2. Also called: Adenomas, multiple colorectal; MUTYH-related attenuated familial adenomatous polyposis; FAP type 2; COLORECTAL ADENOMATOUS POLYPOSIS, AUTOSOMAL RECESSIVE; ADENOMAS, MULTIPLE COLORECTAL, AUTOSOMAL RECESSIVE; MUTYH Polyposis. Identifiers: Orphanet 220460, Orphanet 247798, MedGen C3272841, MONDO:0012041, OMIM 608456.

Submissions (2):

Labcorp Genetics (formerly Invitae), Labcorp
Classification: Uncertain significance for Familial adenomatous polyposis 2. Last evaluated: 2024-07-21. Review status: criteria provided, single submitter. Criteria: Invitae Variant Classification Sherloc (09022015). Collection method: clinical testing. Allele origin: germline.
Comment: This sequence change results in a frameshift in the MUTYH gene (p.His542Cysfs*19). While this is not anticipated to result in nonsense mediated decay, it is expected to disrupt the last 8 amino acid(s) of the MUTYH protein and extend the protein by 10 additional amino acid residues. This variant is not present in population databases (gnomAD no frequency). This variant has not been reported in the literature in individuals affected with MUTYH-related conditions. ClinVar contains an entry for this variant (Variation ID: 1801568). In summary, the available evidence is currently insufficient to determine the role of this variant in disease. Therefore, it has been classified as a Variant of Uncertain Significance.

Laboratory for Genotyping Development, RIKEN
Classification: Pathogenic for Gastric cancer. Last evaluated: 2021-07-01. Review status: no assertion criteria provided. Collection method: research. Allele origin: germline. Not counted in ClinVar's aggregate classification.

Literature cited by the submitters: PubMed 36988593 (cited by Laboratory for Genotyping Development, RIKEN).

NM_001048174.2(MUTYH):c.1536_1539dup (p.His514fs)

Gene: MUTYH (mutY DNA glycosylase; minus strand). Cytogenetic location: 1p34.1.
Variant type: Duplication.
Coding change: c.1536_1539dup on transcript NM_001048174.2 (MANE Select); coding-DNA positions 1536 to 1539, 4 bases duplicated (TGCA; older notation c.1536_1539dupTGCA).
Protein change: p.His514fs; shifts the reading frame from histidine 514.
Molecular consequence: frameshift variant. On other transcripts: non-coding transcript variant (2).
Genome position (GRCh38, 1-based): chr1:45,329,333-45,329,336, TGCA duplicated on the plus strand (TGCA on the coding strand, the reverse complement: MUTYH is on the minus strand); duplicating any 4 consecutive bases within chr1:45,329,333-45,329,337 gives the same sequence; the c. name uses the placement nearest the transcript's 3' end. VCF-style (leftmost placement, unchanged base first): chr1-45329332-G-GTGCA. GRCh37 (hg19) VCF-style: chr1-45795004-G-GTGCA.
Other names: c.1536_1539dup, p.His514fs (NM_001048171.2, NM_001048173.2, NM_001293195.2); c.1539_1542dup, p.His515fs (NM_001048172.2); c.1620_1623dup, p.His542fs (NM_001128425.2); c.1581_1584dup, p.His529fs (NM_001293190.2); c.1569_1572dup, p.His525fs (NM_001293191.2); c.1260_1263dup, p.His422fs (NM_001293192.2, NM_001293196.2); c.1191_1194dup, p.His399fs (NM_001350650.2, NM_001350651.2); c.1568_1571dup, p.His525Cysfs (NM_001407069.1, NM_001407077.1); and 10 more; short protein forms H399fs, H422fs, H514fs, H515fs, H525fs, H529fs, H539fs, H542fs.
Identifiers: ClinVar variation 1801568 (VCV001801568.3), dbSNP rs2523731069, ClinGen allele CA2580062903.